The following is an entry in ClinVar:

NM_001330078.2(NRXN1):c.2414A>G (p.Asn805Ser)

Gene: NRXN1 (neurexin 1; minus strand). Cytogenetic location: 2p16.3.
Variant type: single nucleotide variant.
Coding change: c.2414A>G on transcript NM_001330078.2 (MANE Select); coding-DNA position 2414, A replaced by G.
Protein change: p.Asn805Ser; replaces asparagine 805 with serine.
Molecular consequence: missense variant.
Genome position (GRCh38, 1-based): chr2:50,506,578, T>C on the plus strand (A>G on the coding strand, the complement: NRXN1 is on the minus strand). VCF-style: chr2-50506578-T-C. GRCh37 (hg19) VCF-style: chr2-50733716-T-C.
Other names: c.2534A>G, p.Asn845Ser (NM_001135659.3); c.2390A>G, p.Asn797Ser (NM_001330077.2, NM_001330082.2); c.2348A>G, p.Asn783Ser (NM_001330083.2, NM_001330084.2); c.2387A>G, p.Asn796Ser (NM_001330085.2); c.2414A>G, p.Asn805Ser (NM_001330086.2, NM_004801.6); c.2303A>G, p.Asn768Ser (NM_001330087.2, NM_001330096.2); c.2333A>G, p.Asn778Ser (NM_001330088.2); c.2411A>G, p.Asn804Ser (NM_001330093.2); and 3 more; short protein forms N845S, N788S, N796S, N801S, N805S, N778S, N797S, N768S.
Identifiers: ClinVar variation 451853 (VCV000451853.14), dbSNP rs753087756, ClinGen allele CA1654824.
Genomic context (GRCh38, chr2:50,506,578, plus strand): 5'-ACTGTTAACTTTAAACTTTTTCCACGCCGAACTACACGCACTGTGTGCCACTCGTTATCA[T>C]TGAGGTTATAGCCAGCAAAAAGAGTCTCGGGACCTTTGCCTGTAGAATATGCCAAACAGT-3'
Protein context (NP_001317007.1, residues 795-815): PETLFAGYNL[Asn805Ser]DNEWHTVRVV

ClinVar aggregate classification (germline): Uncertain significance. Review status: criteria provided, multiple submitters, no conflicts (2 of 4 stars). 4 submissions from 4 submitters: Uncertain significance (4). Last evaluated 2025-05-14.

Conditions:
Inborn genetic diseases. Identifiers: MedGen C0950123, MeSH D030342.
Pitt-Hopkins-like syndrome 2 (PTHSL2). Identifiers: Orphanet 221150, Orphanet 600663, MedGen C3280479, MONDO:0013690, OMIM 614325.

Allele frequency attached by ClinVar (database versions not stated): gnomAD exomes 0.00001 and 0.00003; ExAC 0.00002; TOPMed 0.00003; gnomAD 0.00004 and 0.00005.
gnomAD v4.1: 27 of 1,613,316 alleles (0.0017%); highest among the groups gnomAD compares: South Asian, 0.0099%; no homozygotes.

Submissions (4):

Ambry Genetics
Classification: Uncertain significance for Inborn genetic diseases. Last evaluated: 2025-05-14. Review status: criteria provided, single submitter. Criteria: Ambry Variant Classification Scheme 2023. Collection method: clinical testing. Allele origin: germline.

Labcorp Genetics (formerly Invitae), Labcorp
Classification: Uncertain significance for Pitt-Hopkins-like syndrome 2. Last evaluated: 2025-04-23. Review status: criteria provided, single submitter. Criteria: Invitae Variant Classification Sherloc (09022015). Collection method: clinical testing. Allele origin: germline.
Comment: This sequence change replaces asparagine, which is neutral and polar, with serine, which is neutral and polar, at codon 845 of the NRXN1 protein (p.Asn845Ser). This variant is present in population databases (rs753087756, gnomAD 0.01%). This variant has not been reported in the literature in individuals affected with NRXN1-related conditions. ClinVar contains an entry for this variant (Variation ID: 451853). An algorithm developed to predict the effect of missense changes on protein structure and function (PolyPhen-2) suggests that this variant is likely to be disruptive. In summary, the available evidence is currently insufficient to determine the role of this variant in disease. Therefore, it has been classified as a Variant of Uncertain Significance.

Revvity Omics, Revvity
Classification: Uncertain significance for Pitt-Hopkins-like syndrome 2. Last evaluated: 2021-06-10. Review status: criteria provided, single submitter. Criteria: ACMG Guidelines, 2015. Collection method: clinical testing. Allele origin: germline.

GeneDx
Classification: Uncertain significance. Last evaluated: 2020-01-14. Review status: criteria provided, single submitter. Criteria: GeneDx Variant Classification Process June 2021. Collection method: clinical testing. Allele origin: germline. Affected: yes.
Comment: In silico analysis, which includes protein predictors and evolutionary conservation, supports a deleterious effect; Missense variant in a gene in which most reported pathogenic variants are truncating/loss-of-function; Has not been previously published as pathogenic or benign to our knowledge